The following is an entry in ClinVar:

NM_000059.4(BRCA2):c.2128T>G (p.Ser710Ala)

Gene: BRCA2 (BRCA2 DNA repair associated; plus strand). Cytogenetic location: 13q13.1.
Variant type: single nucleotide variant.
Coding change: c.2128T>G on transcript NM_000059.4 (MANE Select); coding-DNA position 2128, T replaced by G.
Protein change: p.Ser710Ala; replaces serine 710 with alanine.
Molecular consequence: missense variant. On other transcripts: non-coding transcript variant (1), intron variant (2).
Genome position (GRCh38, 1-based): chr13:32,336,483, T>G. VCF-style: chr13-32336483-T-G. GRCh37 (hg19) VCF-style: chr13-32910620-T-G.
Other names: c.2128T>G, p.Ser710Ala (NM_001406719.1, NM_001406720.1, NM_001432077.1); c.1909+3096T>G (NM_001406721.1); c.424+5453T>G (NM_001406722.1); short protein forms S710A.
Identifiers: ClinVar variation 3825394 (VCV003825394.1).

ClinVar aggregate classification (germline): Uncertain significance (1 of 4 stars; one submission).

Conditions:
Hereditary cancer-predisposing syndrome. Also called: Hereditary neoplastic syndrome; Neoplastic Syndromes, Hereditary; Tumor predisposition; Hereditary Cancer Syndrome. Identifiers: Orphanet 140162, MedGen C0027672, MeSH D009386, MONDO:0015356.

Submission:

Ambry Genetics
Classification: Uncertain significance for Hereditary cancer-predisposing syndrome. Last evaluated: 2024-12-15. Review status: criteria provided, single submitter. Criteria: Ambry Variant Classification Scheme 2023. Collection method: clinical testing. Allele origin: germline.
Comment: The p.S710A variant (also known as c.2128T>G), located in coding exon 10 of the BRCA2 gene, results from a T to G substitution at nucleotide position 2128. The serine at codon 710 is replaced by alanine, an amino acid with similar properties. This amino acid position is conserved. In addition, this alteration is predicted to be tolerated by in silico analysis. Based on the available evidence, the clinical significance of this variant remains unclear.